The following is an entry in ClinVar:

ClinVar aggregate classification (germline): Conflicting classifications of pathogenicity. Review status: criteria provided, conflicting classifications (1 of 4 stars). 8 submissions from 8 submitters: Uncertain significance (4); Benign (1); Likely benign (3). Last evaluated 2026-07-09.

Conditions:
Tuberous sclerosis syndrome (TSC). Also called: Tuberous Sclerosis Complex; Tuberous sclerosis. Identifiers: Orphanet 805, MedGen C0041341, MONDO:0001734.
TSC2-related disorder. Also called: TSC2-related condition; TSC2-Related Disorders.
Tuberous sclerosis 2 (TSC2). Identifiers: Orphanet 805, MedGen C1860707, MONDO:0013199, OMIM 613254.
Hereditary cancer-predisposing syndrome. Also called: Tumor predisposition; Hereditary neoplastic syndrome; Neoplastic Syndromes, Hereditary; Hereditary Cancer Syndrome. Identifiers: Orphanet 140162, MedGen C0027672, MeSH D009386, MONDO:0015356.

Allele frequency attached by ClinVar (database versions not stated): gnomAD exomes 0.00001 and 0.00002; gnomAD 0.00002 and 0.00003; TOPMed 0.00003.

Submissions (8):

PreventionGenetics, part of Exact Sciences
Classification: Uncertain significance for TSC2-related condition. Last evaluated: 2026-07-09. Review status: criteria provided, single submitter. Criteria: ACMG Guidelines, 2015. Collection method: clinical testing. Allele origin: germline.
Comment: The TSC2 c.1015G>A variant is predicted to result in the amino acid substitution p.Val339Ile. This variant has been reported with uncertain significance in an individual with autism spectrum disorder (ASD) and was inherited from a parent for whom no additional details were provided (Table S3, Saskin et al. 2017. PubMed ID: 28250423). This variant is reported in 0.0062% of alleles in individuals of African descent in gnomAD. At this time, the clinical significance of this variant is uncertain due to the absence of conclusive functional and genetic evidence.

Labcorp Genetics (formerly Invitae), Labcorp
Classification: Likely benign for Tuberous sclerosis 2. Last evaluated: 2025-12-29. Review status: criteria provided, single submitter. Criteria: Invitae Variant Classification Sherloc (09022015). Collection method: clinical testing. Allele origin: germline.

Quest Diagnostics Nichols Institute San Juan Capistrano
Classification: Uncertain significance. Last evaluated: 2025-07-31. Review status: criteria provided, single submitter. Criteria: Quest Diagnostics criteria. Collection method: clinical testing. Allele origin: unknown.

Blueprint Genetics
Classification: Likely benign. Last evaluated: 2024-10-08. Review status: criteria provided, single submitter. Criteria: ACMG Guidelines, 2015. Collection method: clinical testing. Allele origin: germline.

All of Us Research Program, National Institutes of Health
Classification: Uncertain significance for Tuberous sclerosis syndrome. Last evaluated: 2024-05-14. Review status: criteria provided, single submitter. Criteria: ACMG Guidelines, 2015. Collection method: clinical testing. Allele origin: germline. Inheritance: Autosomal dominant inheritance. Observed: 7 variant alleles, 7 heterozygotes.
Comment: This missense variant replaces valine with isoleucine at codon 339 of the TSC2 protein. Computational prediction suggests that this variant may not impact protein structure and function (internally defined REVEL score threshold <= 0.5, PMID: 27666373). To our knowledge, functional studies have not been reported for this variant. This variant has not been reported in individuals affected with tuberous sclerosis complex in the literature. This variant has been identified in 5/251362 chromosomes in the general population by the Genome Aggregation Database (gnomAD). The available evidence is insufficient to determine the role of this variant in disease conclusively. Therefore, this variant is classified as a Variant of Uncertain Significance.

This study involves interpretation of variants in research participants for the purpose of population health screening. Participant phenotype was not available at the time of variant classification. Additional details can be found in publication PMID: 35346344, PMCID: PMC8962531

Color Diagnostics, LLC DBA Color Health
Classification: Uncertain significance for Tuberous sclerosis syndrome. Last evaluated: 2024-04-23. Review status: criteria provided, single submitter. Criteria: ACMG Guidelines, 2015. Collection method: clinical testing. Allele origin: germline.
Comment: This missense variant replaces valine with isoleucine at codon 339 of the TSC2 protein. Computational prediction suggests that this variant may not impact protein structure and function. To our knowledge, functional studies have not been reported for this variant. This variant has not been reported in individuals affected with tuberous sclerosis complex in the literature. This variant has been identified in 5/251362 chromosomes in the general population by the Genome Aggregation Database (gnomAD). The available evidence is insufficient to determine the role of this variant in disease conclusively. Therefore, this variant is classified as a Variant of Uncertain Significance.

Ambry Genetics
Classification: Benign for Hereditary cancer-predisposing syndrome. Last evaluated: 2022-09-28. Review status: criteria provided, single submitter. Criteria: Ambry Variant Classification Scheme 2023. Collection method: clinical testing. Allele origin: germline.

Genome-Nilou Lab
Classification: Likely benign for Tuberous sclerosis 2. Last evaluated: 2021-11-07. Review status: criteria provided, single submitter. Criteria: ACMG Guidelines, 2015. Collection method: clinical testing. Allele origin: germline. Affected: no.

Literature cited by the submitters: PubMed 28250423 (cited by Ambry Genetics).

NM_000548.5(TSC2):c.1015G>A (p.Val339Ile)

Gene: TSC2 (TSC complex subunit 2; plus strand). Cytogenetic location: 16p13.3.
Variant type: single nucleotide variant.
Coding change: c.1015G>A on transcript NM_000548.5 (MANE Select); coding-DNA position 1015, G replaced by A.
Protein change: p.Val339Ile; replaces valine 339 with isoleucine.
Molecular consequence: missense variant.
Genome position (GRCh38, 1-based): chr16:2,060,709, G>A. VCF-style: chr16-2060709-G-A. GRCh37 (hg19) VCF-style: chr16-2110710-G-A.
Other names: c.1015G>A, p.Val339Ile (NM_001077183.3, NM_001114382.3, NM_001363528.2 and 3 more transcripts); c.904G>A, p.Val302Ile (NM_001318827.2); c.868G>A, p.Val290Ile (NM_001318829.2); c.415G>A, p.Val139Ile (NM_001318831.2); c.1048G>A, p.Val350Ile (NM_001318832.2); c.1015G>A (NM_000548.4); short protein forms V339I, V302I, V350I, V290I, V139I.
Identifiers: ClinVar variation 535974 (VCV000535974.24), dbSNP rs559727962, ClinGen allele CA276776626.